The following is an entry in ClinVar:

ClinVar aggregate classification (germline): Conflicting classifications of pathogenicity. Review status: criteria provided, conflicting classifications (1 of 4 stars). 4 submissions from 4 submitters: Uncertain significance (1); Likely benign (3). Last evaluated 2026-01-16.

Conditions:
Familial thoracic aortic aneurysm and aortic dissection (TAAD). Also called: Thoracic aortic aneurysms and dissections. Identifiers: Orphanet 91387, MedGen C4707243, MONDO:0019625.
Ehlers-Danlos syndrome, type 4 (EDSVASC). Also called: Ehlers-Danlos syndrome vascular type; Ehlers Danlos syndrome, ecchymotic type; Ehlers Danlos syndrome, arterial type; Ehlers Danlos syndrome, Sack-Barabas type; Ehlers-Danlos Syndrome Type IV. Identifiers: Orphanet 286, MedGen C0268338, MONDO:0017314, OMIM 130050.

Allele frequency attached by ClinVar (database versions not stated): gnomAD exomes 0.00002.
gnomAD v4.1: 31 of 1,613,770 alleles (0.0019%); highest among the groups gnomAD compares: Non-Finnish European, 0.0026%; no homozygotes.

Submissions (4):

Women's Health and Genetics/Laboratory Corporation of America, LabCorp
Classification: Uncertain significance. Last evaluated: 2026-01-16. Review status: criteria provided, single submitter. Criteria: LabCorp Variant Classification Summary - May 2015. Collection method: clinical testing. Allele origin: germline.
Comment: Variant summary: COL3A1 c.1152C>T (p.Gly384Gly) alters a nucleotide located close to a canonical splice site and therefore could affect mRNA splicing, leading to a significantly altered protein sequence. Consensus agreement among computation tools predict no significant impact on normal splicing. However, these predictions have yet to be confirmed by functional studies. The frequency data for this variant in gnomAD is considered unreliable, as metrics indicate poor data quality at this position. To our knowledge, no occurrence of c.1152C>T in individuals affected with COL3A1-related conditions and no experimental evidence demonstrating its impact on protein function have been reported. ClinVar contains an entry for this variant (Variation ID: 1140888). Based on the evidence outlined above, the variant was classified as uncertain significance.

Labcorp Genetics (formerly Invitae), Labcorp
Classification: Likely benign for Ehlers-Danlos syndrome, type 4. Last evaluated: 2025-06-08. Review status: criteria provided, single submitter. Criteria: Invitae Variant Classification Sherloc (09022015). Collection method: clinical testing. Allele origin: germline.

All of Us Research Program, National Institutes of Health
Classification: Likely benign for Ehlers-Danlos syndrome, type 4. Last evaluated: 2023-12-01. Review status: criteria provided, single submitter. Criteria: ACMG Guidelines, 2015. Collection method: clinical testing. Allele origin: germline. Inheritance: Autosomal dominant inheritance. Observed: 3 variant alleles, 3 heterozygotes.
Comment: This study involves interpretation of variants in research participants for the purpose of population health screening. Participant phenotype was not available at the time of variant classification. Additional details can be found in publication PMID: 35346344, PMCID: PMC8962531

Color Diagnostics, LLC DBA Color Health
Classification: Likely benign for Familial thoracic aortic aneurysm and aortic dissection. Last evaluated: 2020-01-23. Review status: criteria provided, single submitter. Criteria: ACMG Guidelines, 2015. Collection method: clinical testing. Allele origin: germline.

NM_000090.4(COL3A1):c.1152C>T (p.Gly384=)

Gene: COL3A1 (collagen type III alpha 1 chain; plus strand). Cytogenetic location: 2q32.2.
Variant type: single nucleotide variant.
Coding change: c.1152C>T on transcript NM_000090.4 (MANE Select); coding-DNA position 1152, C replaced by T.
Protein change: p.Gly384=; no amino-acid change (glycine 384 retained).
Molecular consequence: synonymous variant.
Genome position (GRCh38, 1-based): chr2:188,994,040, C>T. VCF-style: chr2-188994040-C-T. GRCh37 (hg19) VCF-style: chr2-189858766-C-T.
Identifiers: ClinVar variation 1140888 (VCV001140888.13), dbSNP rs1688243975, ClinGen allele CA430309405.